The following is an entry in ClinVar:

NM_001371928.1(AHDC1):c.2512G>A (p.Gly838Ser)

Gene: AHDC1 (AT-hook DNA binding motif containing 1; minus strand). Cytogenetic location: 1p36.11.
Variant type: single nucleotide variant.
Coding change: c.2512G>A on transcript NM_001371928.1 (MANE Select); coding-DNA position 2512, G replaced by A.
Protein change: p.Gly838Ser; replaces glycine 838 with serine.
Molecular consequence: missense variant.
Genome position (GRCh38, 1-based): chr1:27,549,604, C>T on the plus strand (G>A on the coding strand, the complement: AHDC1 is on the minus strand). VCF-style: chr1-27549604-C-T. GRCh37 (hg19) VCF-style: chr1-27876115-C-T.
Other names: c.2512G>A, p.Gly838Ser (NM_001029882.3); short protein forms G838S.
Identifiers: ClinVar variation 2446672 (VCV002446672.2), dbSNP rs2521932919, ClinGen allele CA339230368.

ClinVar aggregate classification (germline): Likely pathogenic (1 of 4 stars; one submission).

Submission:

GeneDx
Classification: Likely pathogenic. Last evaluated: 2024-08-23. Review status: criteria provided, single submitter. Criteria: GeneDx Variant Classification Process June 2021. Collection method: clinical testing. Allele origin: germline. Affected: yes.
Comment: Not observed at significant frequency in large population cohorts (gnomAD); In silico analysis indicates that this missense variant does not alter protein structure/function; Has not been previously published as pathogenic or benign to our knowledge